The following is an entry in ClinVar:

ClinVar aggregate classification (germline): Uncertain significance. Review status: criteria provided, multiple submitters, no conflicts (2 of 4 stars). 3 submissions from 3 submitters: Uncertain significance (3). Last evaluated 2025-09-10.

Conditions:
Hereditary cancer-predisposing syndrome. Also called: Hereditary neoplastic syndrome; Hereditary Cancer Syndrome; Neoplastic Syndromes, Hereditary; Tumor predisposition. Identifiers: Orphanet 140162, MedGen C0027672, MeSH D009386, MONDO:0015356.
Familial adenomatous polyposis 2. Also called: MYH-associated polyposis; COLORECTAL ADENOMATOUS POLYPOSIS, AUTOSOMAL RECESSIVE; ADENOMAS, MULTIPLE COLORECTAL, AUTOSOMAL RECESSIVE; MUTYH-related attenuated familial adenomatous polyposis; Adenomas, multiple colorectal; FAP type 2. Identifiers: Orphanet 220460, Orphanet 247798, MedGen C3272841, MONDO:0012041, OMIM 608456.

Allele frequency attached by ClinVar (database versions not stated): gnomAD exomes below 0.00001; TOPMed below 0.00001.
gnomAD v4.1: 1 of 1,614,236 alleles (0.000062%); highest among the groups gnomAD compares: East Asian, 0.0022%; no homozygotes.

Submissions (3):

Color Diagnostics, LLC DBA Color Health
Classification: Uncertain significance for Hereditary cancer-predisposing syndrome. Last evaluated: 2025-09-10. Review status: criteria provided, single submitter. Criteria: ACMG Guidelines, 2015. Collection method: clinical testing. Allele origin: germline.
Comment: This variant causes a G to A nucleotide substitution at the +4 position of intron 3 of the MUTYH gene. To our knowledge, functional studies have not been reported for this variant. This variant has not been reported in individuals affected with MUTYH-related disorders in the literature. This variant has not been identified in the general population by the Genome Aggregation Database (gnomAD). The available evidence is insufficient to determine the role of this variant in disease conclusively. Therefore, this variant is classified as a Variant of Uncertain Significance.

Labcorp Genetics (formerly Invitae), Labcorp
Classification: Uncertain significance for Familial adenomatous polyposis 2. Last evaluated: 2024-04-24. Review status: criteria provided, single submitter. Criteria: Invitae Variant Classification Sherloc (09022015). Collection method: clinical testing. Allele origin: germline.
Comment: This sequence change falls in intron 3 of the MUTYH gene. It does not directly change the encoded amino acid sequence of the MUTYH protein. It affects a nucleotide within the consensus splice site. This variant is not present in population databases (gnomAD no frequency). This variant has not been reported in the literature in individuals affected with MUTYH-related conditions. ClinVar contains an entry for this variant (Variation ID: 485908). Variants that disrupt the consensus splice site are a relatively common cause of aberrant splicing (PMID: 17576681, 9536098). RNA analysis provides insufficient evidence to determine the effect of this variant on MUTYH splicing (Invitae). In summary, the available evidence is currently insufficient to determine the role of this variant in disease. Therefore, it has been classified as a Variant of Uncertain Significance.

Ambry Genetics
Classification: Uncertain significance for Hereditary cancer-predisposing syndrome. Last evaluated: 2023-08-23. Review status: criteria provided, single submitter. Criteria: Ambry Variant Classification Scheme 2023. Collection method: clinical testing. Allele origin: germline.
Comment: The c.348+4G>A intronic variant results from a G to A substitution 4 nucleotides after coding exon 3 in the MUTYH gene. This nucleotide position is not well conserved in available vertebrate species. In silico splice site analysis predicts that this alteration will not have any significant effect on splicing. Since supporting evidence is limited at this time, the clinical significance of this alteration remains unclear.

Literature cited by the submitters: PubMed 17576681 (cited by Labcorp Genetics (formerly Invitae), Labcorp); PubMed 9536098 (cited by Labcorp Genetics (formerly Invitae), Labcorp).

NM_001048174.2(MUTYH):c.264+4G>A

Gene: MUTYH (mutY DNA glycosylase; minus strand). Cytogenetic location: 1p34.1.
Variant type: single nucleotide variant.
Coding change: c.264+4G>A on transcript NM_001048174.2 (MANE Select); 4 bases into the intron after coding-DNA position 264, G replaced by A.
Molecular consequence: intron variant.
Genome position (GRCh38, 1-based): chr1:45,333,409, C>T on the plus strand (G>A on the coding strand, the complement: MUTYH is on the minus strand). VCF-style: chr1-45333409-C-T. GRCh37 (hg19) VCF-style: chr1-45799081-C-T.
Other names: c.-8+4G>A (NM_001350651.2, NM_001350650.2); c.-13+4G>A (NM_001293192.2, NM_001293196.2); c.264+4G>A (NM_001048171.2, NM_001048173.2, NM_001293195.2); c.309+4G>A (NM_001293190.2); c.339+4G>A (NM_012222.3); c.348+4G>A (NM_001128425.2); c.267+4G>A (NM_001048172.2); c.297+4G>A (NM_001293191.2).
Identifiers: ClinVar variation 485908 (VCV000485908.13), dbSNP rs1553130029, ClinGen allele CA658656935.